The following is an entry in ClinVar:

ClinVar aggregate classification (germline): Uncertain significance (1 of 4 stars; one submission).

Conditions:
Osteogenesis imperfecta type I (OI1). Also called: OI, TYPE I; OSTEOGENESIS IMPERFECTA TARDA; OSTEOGENESIS IMPERFECTA WITH BLUE SCLERAE; Osteogenesis imperfecta type 1; Lobstein's Disease; Lobstein disease. Identifiers: Orphanet 216796, Orphanet 666, MedGen C0023931, MONDO:0008146, OMIM 166200. Disease mechanism: loss of function.

Submission:

Labcorp Genetics (formerly Invitae), Labcorp
Classification: Uncertain significance for Osteogenesis imperfecta type I. Last evaluated: 2023-02-10. Review status: criteria provided, single submitter. Criteria: Invitae Variant Classification Sherloc (09022015). Collection method: clinical testing. Allele origin: germline.
Comment: Algorithms developed to predict the effect of missense changes on protein structure and function are either unavailable or do not agree on the potential impact of this missense change (SIFT: "Deleterious"; PolyPhen-2: "Not Available"; Align-GVGD: "Class C65"). In summary, the available evidence is currently insufficient to determine the role of this variant in disease. Therefore, it has been classified as a Variant of Uncertain Significance. This variant has not been reported in the literature in individuals affected with COL1A1-related conditions. This variant is not present in population databases (gnomAD no frequency). This sequence change replaces aspartic acid, which is acidic and polar, with histidine, which is basic and polar, at codon 232 of the COL1A1 protein (p.Asp232His).

NM_000088.4(COL1A1):c.694G>C (p.Asp232His)

Gene: COL1A1 (collagen type I alpha 1 chain; minus strand). Cytogenetic location: 17q21.33.
Variant type: single nucleotide variant.
Coding change: c.694G>C on transcript NM_000088.4 (MANE Select); coding-DNA position 694, G replaced by C.
Protein change: p.Asp232His; replaces aspartic acid 232 with histidine.
Molecular consequence: missense variant.
Genome position (GRCh38, 1-based): chr17:50,197,734, C>G on the plus strand (G>C on the coding strand, the complement: COL1A1 is on the minus strand). VCF-style: chr17-50197734-C-G. GRCh37 (hg19) VCF-style: chr17-48275095-C-G.
Other names: short protein forms D232H.
Identifiers: ClinVar variation 2836037 (VCV002836037.3), dbSNP rs968606802, ClinGen allele CA400224521.